The following is an entry in ClinVar:

NM_002633.3(PGM1):c.247-54G>T

Gene: PGM1 (phosphoglucomutase 1; plus strand). Cytogenetic location: 1p31.3.
Variant type: single nucleotide variant.
Coding change: c.247-54G>T on transcript NM_002633.3 (MANE Select); 54 bases into the intron before coding-DNA position 247, G replaced by T.
Molecular consequence: intron variant.
Genome position (GRCh38, 1-based): chr1:63,629,371, G>T. VCF-style: chr1-63629371-G-T. GRCh37 (hg19) VCF-style: chr1-64095042-G-T.
Other names: c.-345-54G>T (NM_001172819.2); c.301-54G>T (NM_001172818.1).
Identifiers: ClinVar variation 676175 (VCV000676175.2), dbSNP rs855313, ClinGen allele CA10984713.
Genomic context (GRCh38, chr1:63,629,371, plus strand): 5'-ACAGATTATTACTATTATTTTTTTGTCCATCTGCCTGTTGTCTTGGTGTTGTTTCTGAGC[G>T]GTGACTCTGGATGTATTGATGTTAAAGAGTGTGTTCTGGATTTCTTCTCCTAGATCGGTC-3'

ClinVar aggregate classification (germline): Benign. Review status: criteria provided, multiple submitters, no conflicts (2 of 4 stars). 2 submissions from 2 submitters: Benign (2). Last evaluated 2018-06-16.

Allele frequency attached by ClinVar (database versions not stated): TOPMed 0.11940; 1000 Genomes Project 0.09046; 1000 Genomes Project 30x 0.09385; gnomAD 0.11701.
gnomAD v4.1: 145,655 of 1,470,622 alleles (9.9%); highest among the groups gnomAD compares: Middle Eastern, 18%; 7,911 homozygotes.

Submissions (2):

GeneDx
Classification: Benign. Last evaluated: 2018-06-16. Review status: criteria provided, single submitter. Criteria: GeneDx Variant Classification (06012015). Collection method: clinical testing. Allele origin: germline. Affected: yes.
Comment: This variant is considered likely benign or benign based on one or more of the following criteria: it is a conservative change, it occurs at a poorly conserved position in the protein, it is predicted to be benign by multiple in silico algorithms, and/or has population frequency not consistent with disease.

Breakthrough Genomics
Classification: Benign. Review status: criteria provided, single submitter. Criteria: ACMG Guidelines, 2015. Collection method: not provided. Allele origin: germline. Inheritance: Autosomal recessive inheritance. Affected: yes.